The following is an entry in ClinVar:

NM_006947.4(SRP72):c.1788T>A (p.Asp596Glu)

Gene: SRP72 (signal recognition particle 72; plus strand). Cytogenetic location: 4q12.
Variant type: single nucleotide variant.
Coding change: c.1788T>A on transcript NM_006947.4 (MANE Select); coding-DNA position 1788, T replaced by A.
Protein change: p.Asp596Glu; replaces aspartic acid 596 with glutamic acid.
Molecular consequence: missense variant. On other transcripts: non-coding transcript variant (1).
Genome position (GRCh38, 1-based): chr4:56,500,645, T>A. VCF-style: chr4-56500645-T-A. GRCh37 (hg19) VCF-style: chr4-57366811-T-A.
Other names: c.1605T>A, p.Asp535Glu (NM_001267722.2); short protein forms D535E, D596E.
Identifiers: ClinVar variation 3360304 (VCV003360304.1).

ClinVar aggregate classification (germline): Uncertain significance (1 of 4 stars; one submission).

Submission:

GeneDx
Classification: Uncertain significance. Last evaluated: 2023-07-03. Review status: criteria provided, single submitter. Criteria: GeneDx Variant Classification Process June 2021. Collection method: clinical testing. Allele origin: germline. Affected: yes.
Comment: Not observed at significant frequency in large population cohorts (gnomAD); In silico analysis supports that this missense variant does not alter protein structure/function; Has not been previously published as pathogenic or benign to our knowledge; This variant is associated with the following publications: (PMID: 21073748)